The following is an entry in ClinVar:

ClinVar aggregate classification (germline): Uncertain significance. Review status: criteria provided, multiple submitters, no conflicts (2 of 4 stars). 4 submissions from 4 submitters: Uncertain significance (4). Last evaluated 2025-08-22.

Conditions:
Cardiovascular phenotype. Identifiers: MedGen CN230736.
Familial amyloid polyneuropathy, Iowa type (AMYLD3). Also called: Familial amyloid polyneuropathy type III; AMYLOIDOSIS, HEREDITARY SYSTEMIC 3; AMYLOIDOSIS, IOWA TYPE; AMYLOIDOSIS, VAN ALLEN TYPE; AMYLOIDOSIS, TYPE III; AMYLOIDOSIS, TYPE IV. Identifiers: MedGen C4551500, MONDO:0971008, OMIM 620657.
Hypoalphalipoproteinemia, primary, 2, intermediate. Also called: HYPOALPHALIPOPROTEINEMIA, PRIMARY, 2, AUTOSOMAL DOMINANT. Identifiers: MedGen C5677030, MONDO:0859238, OMIM 619836.
Hypoalphalipoproteinemia, primary, 2. Also called: HIGH DENSITY LIPOPROTEIN DEFICIENCY; HYPOALPHALIPOPROTEINEMIA, PRIMARY, 2, AUTOSOMAL RECESSIVE. Identifiers: MedGen C5551172, MONDO:0032766, OMIM 618463.

Allele frequency attached by ClinVar (database versions not stated): gnomAD exomes 0.00007; ExAC 0.00010; TOPMed 0.00021; 1000 Genomes Project 30x 0.00047; 1000 Genomes Project 0.00060.

Submissions (4):

Labcorp Genetics (formerly Invitae), Labcorp
Classification: Uncertain significance. Last evaluated: 2025-08-22. Review status: criteria provided, single submitter. Criteria: Invitae Variant Classification Sherloc (09022015). Collection method: clinical testing. Allele origin: germline.
Comment: This sequence change replaces proline, which is neutral and non-polar, with histidine, which is basic and polar, at codon 27 of the APOA1 protein (p.Pro27His). This variant is present in population databases (rs121912720, gnomAD 0.08%). This variant has not been reported in the literature in individuals affected with APOA1-related conditions. ClinVar contains an entry for this variant (Variation ID: 1338197). Invitae Evidence Modeling of protein sequence and biophysical properties (such as structural, functional, and spatial information, amino acid conservation, physicochemical variation, residue mobility, and thermodynamic stability) has been performed for this missense variant. However, the output from this modeling did not meet the statistical confidence thresholds required to predict the impact of this variant on APOA1 protein function. In summary, the available evidence is currently insufficient to determine the role of this variant in disease. Therefore, it has been classified as a Variant of Uncertain Significance.

Fulgent Genetics
Classification: Uncertain significance for Hypoalphalipoproteinemia, primary, 2; Hypoalphalipoproteinemia, primary, 2, intermediate; Familial amyloid polyneuropathy, Iowa type. Last evaluated: 2024-05-24. Review status: criteria provided, single submitter. Criteria: ACMG Guidelines, 2015. Collection method: clinical testing. Allele origin: germline.

Genetic Services Laboratory, University of Chicago
Classification: Uncertain significance. Last evaluated: 2021-12-23. Review status: criteria provided, single submitter. Criteria: ACMG Guidelines, 2015. Collection method: clinical testing. Allele origin: germline. Affected: no.
Comment: This sequence change has been previously described in an individual with high plasma concentration of apo A-1 (reported as Pro3Arg in the article) (PMID: 2512329). Experimental studies showed concentration of the variant proapo A-I was shown to be distinctly increased compared with normal proapo A-I which they hypothesized was suggestive of the proline at the position 3 being essential in the regular propeptide cleavage process of proapo A-I to mature apo A-I (PMID: 2512329). This sequence change has been described in the gnomAD database with a frequency of 0.088% in the African subpopulation (dbSNP rs121912720). The p.Pro27His change affects a highly conserved amino acid residue located in a domain of the APOA1 protein that is not known to be functional. In-silico pathogenicity prediction tools (SIFT, Align GVGD, REVEL) provide contradictory results for the p.Pro27His substitution. Due to insufficient evidence and the lack of functional studies, the clinical significance of the p.Pro27His change remains unknown at this time.

Ambry Genetics
Classification: Uncertain significance for Cardiovascular phenotype. Last evaluated: 2021-07-14. Review status: criteria provided, single submitter. Criteria: Ambry Variant Classification Scheme 2023. Collection method: clinical testing. Allele origin: germline.
Comment: The p.P27H variant (also known as c.80C>A), located in coding exon 2 of the APOA1 gene, results from a C to A substitution at nucleotide position 80. The proline at codon 27 is replaced by histidine, an amino acid with similar properties. This amino acid position is well conserved in available vertebrate species. In addition, the in silico prediction for this alteration is inconclusive. Since supporting evidence is limited at this time, the clinical significance of this alteration remains unclear.

NM_000039.3(APOA1):c.80C>A (p.Pro27His)

Genes: APOA1 (apolipoprotein A1; minus strand), APOA1-AS (APOA1 antisense RNA; plus strand). Cytogenetic location: 11q23.3.
Variant type: single nucleotide variant.
Coding change: c.80C>A on transcript NM_000039.3 (MANE Select); coding-DNA position 80, C replaced by A.
Protein change: p.Pro27His; replaces proline 27 with histidine.
Molecular consequence: missense variant. On other transcripts: 5 prime UTR variant (1), intron variant (2).
Genome position (GRCh38, 1-based): chr11:116,837,121, G>T on the plus strand (C>A on the coding strand, the complement: APOA1 is on the minus strand). VCF-style: chr11-116837121-G-T. GRCh37 (hg19) VCF-style: chr11-116707837-G-T.
Other names: c.80C>A, p.Pro27His (NM_001318017.2, NM_001318018.2, NM_001425090.1 and 1 more transcripts); c.-248C>A (NM_001425092.1); c.-128+224C>A (NM_001425091.1); c.-240-8C>A (NM_001318021.2); short protein forms P27H.
Identifiers: ClinVar variation 1338197 (VCV001338197.13), dbSNP rs121912720, ClinGen allele CA6289902.